The following is an entry in ClinVar:

NM_003072.5(SMARCA4):c.3894C>T (p.Asp1298=)

Gene: SMARCA4 (SWI/SNF related BAF chromatin remodeling complex subunit ATPase 4; plus strand). Cytogenetic location: 19p13.2.
Variant type: single nucleotide variant.
Coding change: c.3894C>T on transcript NM_003072.5 (MANE Select); coding-DNA position 3894, C replaced by T.
Protein change: p.Asp1298=; no amino-acid change (aspartic acid 1298 retained).
Molecular consequence: synonymous variant. On other transcripts: non-coding transcript variant (1).
Genome position (GRCh38, 1-based): chr19:11,034,143, C>T. VCF-style: chr19-11034143-C-T. GRCh37 (hg19) VCF-style: chr19-11144819-C-T.
Other names: c.3894C>T, p.Asp1298= (NM_001128844.3, NM_001128849.3, NM_001387283.1); c.3795C>T, p.Asp1265= (NM_001128845.2, NM_001128846.2, NM_001128847.4 and 2 more transcripts); c.3894C>T (NM_001128849.2).
Identifiers: ClinVar variation 238439 (VCV000238439.30), dbSNP rs373041389, ClinGen allele CA9204558.
Genomic context (GRCh38, chr19:11,034,143, plus strand): 5'-GGCCCCTCCTCAGCGGCACTGACAGTTTGCAATCTTATAGGAGGAAGACGAGGTGCCCGA[C>T]GACGAGACCGTCAACCAGATGATCGCCCGGCACGAGGAGGAGTTTGATCTGTTCATGGTA-3'
Protein context (NP_003063.2, residues 1288-1308): PPLKEEDEVP[Asp1298=]DETVNQMIAR

ClinVar aggregate classification (germline): Benign/Likely benign. Review status: criteria provided, multiple submitters, no conflicts (2 of 4 stars). 8 submissions from 8 submitters: Benign (1); Likely benign (7). Last evaluated 2026-07-15.

Conditions:
Intellectual disability, autosomal dominant 16 (CSS4). Also called: COFFIN-SIRIS SYNDROME 4. Identifiers: Orphanet 1465, MedGen C3553249, MONDO:0013821, OMIM 614609.
Rhabdoid tumor predisposition syndrome 2 (RTPS2). Identifiers: Orphanet 231108, Orphanet 69077, MedGen C2750074, MONDO:0013224, OMIM 613325.
Otosclerosis 12. Identifiers: MedGen C5935610, MONDO:0968980, OMIM 620792.
Hereditary cancer-predisposing syndrome. Also called: Hereditary Cancer Syndrome; Tumor predisposition; Hereditary neoplastic syndrome; Neoplastic Syndromes, Hereditary. Identifiers: Orphanet 140162, MedGen C0027672, MeSH D009386, MONDO:0015356.

Allele frequency attached by ClinVar (database versions not stated): gnomAD exomes 0.00004 and 0.00005; gnomAD 0.00002 and 0.00003; ESP Exome Variant Server 0.00015; TOPMed 0.00003; ExAC 0.00004.
gnomAD v4.1: 60 of 1,613,590 alleles (0.0037%); highest among the groups gnomAD compares: Non-Finnish European, 0.0048%; no homozygotes.

Submissions (8):

Myriad Genetics, Inc.
Classification: Benign for Rhabdoid tumor predisposition syndrome 2. Last evaluated: 2026-07-15. Review status: criteria provided, single submitter. Criteria: Myriad Autosomal Dominant, Autosomal Recessive and X-Linked Classification Criteria (2023). Collection method: clinical testing. Allele origin: unknown.
Comment: This variant is considered benign. This variant is a silent/synonymous amino acid change and it is not expected to impact splicing.

Labcorp Genetics (formerly Invitae), Labcorp
Classification: Likely benign for Rhabdoid tumor predisposition syndrome 2. Last evaluated: 2025-12-24. Review status: criteria provided, single submitter. Criteria: Invitae Variant Classification Sherloc (09022015). Collection method: clinical testing. Allele origin: germline.

CeGaT Center for Human Genetics Tuebingen
Classification: Likely benign. Last evaluated: 2025-09-01. Review status: criteria provided, single submitter. Criteria: CeGaT Center For Human Genetics Tuebingen Variant Classification Criteria Version 2. Collection method: clinical testing. Allele origin: germline. Affected: yes. Observed: 1 variant allele.
Comment: SMARCA4: BP4, BP7

Department of Pathology and Laboratory Medicine, Sinai Health System
Classification: Likely benign for Rhabdoid tumor predisposition syndrome 2; Intellectual disability, autosomal dominant 16; Otosclerosis 12. Last evaluated: 2023-07-25. Review status: criteria provided, single submitter. Criteria: ACMG Guidelines, 2015. Collection method: clinical testing. Allele origin: germline. Affected: yes.

Quest Diagnostics Nichols Institute San Juan Capistrano
Classification: Likely benign. Last evaluated: 2023-06-28. Review status: criteria provided, single submitter. Criteria: Quest Diagnostics criteria. Collection method: clinical testing. Allele origin: unknown.

Sema4
Classification: Likely benign for Hereditary cancer-predisposing syndrome. Last evaluated: 2021-05-21. Review status: criteria provided, single submitter. Criteria: Sema4 Curation Guidelines. Collection method: curation. Allele origin: germline.

Genetic Services Laboratory, University of Chicago
Classification: Likely benign. Last evaluated: 2016-01-22. Review status: criteria provided, single submitter. Criteria: ACMG Guidelines, 2015. Collection method: clinical testing. Allele origin: germline. Affected: no.

Ambry Genetics
Classification: Likely benign for Hereditary cancer-predisposing syndrome. Last evaluated: 2015-10-10. Review status: criteria provided, single submitter. Criteria: Ambry Variant Classification Scheme 2023. Collection method: clinical testing. Allele origin: germline.